The following is an entry in ClinVar:

NC_000022.10:g.(?_32205577)_(32206647_?)del

Gene: DEPDC5 (DEP domain containing 5, GATOR1 subcomplex subunit; plus strand). Cytogenetic location: 22q12.3.
Variant type: Deletion.
Identifiers: ClinVar variation 1071274 (VCV001071274.6).

ClinVar aggregate classification (germline): Pathogenic (1 of 4 stars; one submission).

Conditions:
Familial focal epilepsy with variable foci (FPEVF). Identifiers: Orphanet 98820, MedGen C1858477, MONDO:0020310.

Submission:

Labcorp Genetics (formerly Invitae), Labcorp
Classification: Pathogenic for Familial focal epilepsy with variable foci. Last evaluated: 2023-12-17. Review status: criteria provided, single submitter. Criteria: Invitae Variant Classification Sherloc (09022015). Collection method: clinical testing. Allele origin: germline.
Comment: This variant is a gross deletion of the genomic region encompassing exon(s) 19-20 of the DEPDC5 gene. This deletion is out-of-frame, and is expected to create a premature termination codon and result in an absent or disrupted protein product. Loss-of-function variants in DEPDC5 are known to be pathogenic (PMID: 23542697, 23542701). This variant has not been reported in the literature in individuals affected with DEPDC5-related conditions. For these reasons, this variant has been classified as Pathogenic.

Literature cited by the submitters: PubMed 23542697; PubMed 23542701.